The following is an entry in ClinVar:

NM_001378454.1(ALMS1):c.8637C>A (p.Cys2879Ter)

Gene: ALMS1 (ALMS1 centrosome and basal body associated protein; plus strand). Cytogenetic location: 2p13.1.
Variant type: single nucleotide variant.
Coding change: c.8637C>A on transcript NM_001378454.1 (MANE Select); coding-DNA position 8637, C replaced by A.
Protein change: p.Cys2879Ter; replaces cysteine 2879 with a stop codon.
Molecular consequence: nonsense.
Genome position (GRCh38, 1-based): chr2:73,490,596, C>A. VCF-style: chr2-73490596-C-A. GRCh37 (hg19) VCF-style: chr2-73717723-C-A.
Other names: c.8640C>A, p.Cys2880Ter (NM_015120.4); short protein forms C2879*, C2880*.
Identifiers: ClinVar variation 2745336 (VCV002745336.3), dbSNP rs2466216835, ClinGen allele CA347269833.

ClinVar aggregate classification (germline): Pathogenic (1 of 4 stars; one submission).

Conditions:
Alstrom syndrome (ALMS). Identifiers: Orphanet 64, MedGen C0268425, MONDO:0008763, OMIM 203800.

Submission:

Labcorp Genetics (formerly Invitae), Labcorp
Classification: Pathogenic for Alstrom syndrome. Last evaluated: 2023-07-19. Review status: criteria provided, single submitter. Criteria: Invitae Variant Classification Sherloc (09022015). Collection method: clinical testing. Allele origin: germline.
Comment: This variant has not been reported in the literature in individuals affected with ALMS1-related conditions. This sequence change creates a premature translational stop signal (p.Cys2880*) in the ALMS1 gene. It is expected to result in an absent or disrupted protein product. Loss-of-function variants in ALMS1 are known to be pathogenic (PMID: 17594715). This variant is not present in population databases (gnomAD no frequency). For these reasons, this variant has been classified as Pathogenic.

Literature cited by the submitters: PubMed 17594715.